The following is an entry in ClinVar:

NM_015915.5(ATL1):c.701A>T (p.Lys234Ile)

Gene: ATL1 (atlastin GTPase 1; plus strand). Cytogenetic location: 14q22.1.
Variant type: single nucleotide variant.
Coding change: c.701A>T on transcript NM_015915.5 (MANE Select); coding-DNA position 701, A replaced by T.
Protein change: p.Lys234Ile; replaces lysine 234 with isoleucine.
Molecular consequence: missense variant.
Genome position (GRCh38, 1-based): chr14:50,613,329, A>T. VCF-style: chr14-50613329-A-T. GRCh37 (hg19) VCF-style: chr14-51080047-A-T.
Other names: c.701A>T, p.Lys234Ile (NM_001127713.1, NM_181598.4); short protein forms K234I.
Identifiers: ClinVar variation 3254710 (VCV003254710.2), dbSNP rs371579681.

ClinVar aggregate classification (germline): Uncertain significance. Review status: criteria provided, multiple submitters, no conflicts (2 of 4 stars). 2 submissions from 2 submitters: Uncertain significance (2). Last evaluated 2023-09-18.

Conditions:
Hereditary spastic paraplegia 3A (SPG3A). Also called: Spastic paraplegia 3A, autosomal dominant; SPASTIC PARAPLEGIA 3, AUTOSOMAL DOMINANT; FAMILIAL SPASTIC PARAPLEGIA, AUTOSOMAL DOMINANT, 1; SPG3; STRUMPELL DISEASE; Spastic Paraplegia 3A. Identifiers: Orphanet 100984, MedGen C2931355, MONDO:0008437, OMIM 182600.

Allele frequency attached by ClinVar (database versions not stated): ESP Exome Variant Server 0.00008.
gnomAD v4.1: 1 of 1,613,206 alleles (0.000062%); no homozygotes.

Submissions (2):

Blueprint Genetics
Classification: Uncertain significance. Last evaluated: 2023-09-18. Review status: criteria provided, single submitter. Criteria: ACMG Guidelines, 2015. Collection method: clinical testing. Allele origin: germline.

Victorian Clinical Genetics Services, Murdoch Childrens Research Institute
Classification: Uncertain significance for Hereditary spastic paraplegia 3A. Last evaluated: 2023-07-16. Review status: criteria provided, single submitter. Criteria: ACMG Guidelines, 2015. Collection method: clinical testing. Allele origin: germline. Inheritance: Autosomal dominant inheritance. Affected: yes.
Comment: Based on the classification scheme VCGS_Germline_v1.3.4, this variant is classified as VUS-3B. Following criteria are met: 0103 - Dominant negative (DN) and loss of function (LoF) are known mechanisms of disease in this gene. Missense variants with a DN mechanism are associated with dominant spastic paraplegia 3A (MIM#182600) and hereditary sensory neuropathy, type ID (MIM#613708) (PMID: 16537571). LoF is a disease mechanism for recessive hereditary spastic paraplegia (HSP; PMID: 24473461, PMID: 26888483). LoF is suggested for hereditary sensory neuropathy, type ID (PMID: 21194679). (I) 0107 - This gene is associated with autosomal dominant disease. However, rare examples of individuals with biallelic variants in this gene have also been reported (PMID: 24473461, PMID: 26888483). (I) 0112 - The condition associated with this gene has incomplete penetrance. Reduced penetrance was previously reported in approximately 10% of HSP families (PMID: 28396731). (I) 0200 - Variant is predicted to result in a missense amino acid change from lysine to isoleucine. (I) 0251 - This variant is heterozygous. (I) 0301 - Variant is absent from gnomAD (both v2 and v3). (SP) 0309 - Multiple alternative amino acid changes at the same position has been observed in gnomAD (v2) (highest allele count: 6 heterozygotes, 0 homozygotes). (I) 0502 - Missense variant with conflicting in silico predictions and uninformative conservation. (I) 0600 - Variant is located in the annotated guanylate-binding protein, N-terminal domain (DECIPHER). (I) 0710 - Another missense variant comparable to the one identified in this case has inconclusive previous evidence for pathogenicity. This alternative change (p.(Lys234Arg)) has been reported once as a VUS (ClinVar). (I) 0807 - This variant has no previous evidence of pathogenicity. (I) 0905 - No published segregation evidence has been identified for this variant. (I) 1007 - No published functional evidence has been identified for this variant. (I) 1208 - Inheritance information for this variant is not currently available in this individual. (I) Legend: (SP) - Supporting pathogenic, (I) - Information, (SB) - Supporting benign

Literature cited by the submitters: PubMed 16537571 (cited by Victorian Clinical Genetics Services, Murdoch Childrens Research Institute); PubMed 21194679 (cited by Victorian Clinical Genetics Services, Murdoch Childrens Research Institute); PubMed 24473461 (cited by Victorian Clinical Genetics Services, Murdoch Childrens Research Institute); PubMed 26888483 (cited by Victorian Clinical Genetics Services, Murdoch Childrens Research Institute); PubMed 28396731 (cited by Victorian Clinical Genetics Services, Murdoch Childrens Research Institute).